The following is an entry in ClinVar:

ClinVar aggregate classification (germline): Uncertain significance. Review status: criteria provided, multiple submitters, no conflicts (2 of 4 stars). 2 submissions from 2 submitters: Uncertain significance (2). Last evaluated 2026-01-24.

Conditions:
Hereditary cancer-predisposing syndrome. Also called: Hereditary Cancer Syndrome; Neoplastic Syndromes, Hereditary; Tumor predisposition; Hereditary neoplastic syndrome. Identifiers: Orphanet 140162, MedGen C0027672, MeSH D009386, MONDO:0015356.

Allele frequency attached by ClinVar (database versions not stated): TOPMed below 0.00001; gnomAD 0.00001.

Submissions (2):

Ambry Genetics
Classification: Uncertain significance for Hereditary cancer-predisposing syndrome. Last evaluated: 2026-01-24. Review status: criteria provided, single submitter. Criteria: Ambry Variant Classification Scheme 2023. Collection method: clinical testing. Allele origin: germline.
Comment: The p.E533G variant (also known as c.1598A>G), located in coding exon 11 of the MSH3 gene, results from an A to G substitution at nucleotide position 1598. The glutamic acid at codon 533 is replaced by glycine, an amino acid with similar properties. This amino acid position is conserved. In addition, the in silico prediction for this alteration is inconclusive. Based on the available evidence, the clinical significance of this variant remains unclear.

Labcorp Genetics (formerly Invitae), Labcorp
Classification: Uncertain significance. Last evaluated: 2020-02-18. Review status: criteria provided, single submitter. Criteria: Invitae Variant Classification Sherloc (09022015). Collection method: clinical testing. Allele origin: germline.
Comment: This sequence change replaces glutamic acid with glycine at codon 533 of the MSH3 protein (p.Glu533Gly). The glutamic acid residue is moderately conserved and there is a moderate physicochemical difference between glutamic acid and glycine. This variant is not present in population databases (ExAC no frequency). This variant has not been reported in the literature in individuals with MSH3-related conditions. Algorithms developed to predict the effect of missense changes on protein structure and function (SIFT, PolyPhen-2, Align-GVGD) all suggest that this variant is likely to be tolerated, but these predictions have not been confirmed by published functional studies and their clinical significance is uncertain. In summary, the available evidence is currently insufficient to determine the role of this variant in disease. Therefore, it has been classified as a Variant of Uncertain Significance.

NM_002439.5(MSH3):c.1598A>G (p.Glu533Gly)

Gene: MSH3 (mutS homolog 3; plus strand). Cytogenetic location: 5q14.1.
Variant type: single nucleotide variant.
Coding change: c.1598A>G on transcript NM_002439.5 (MANE Select); coding-DNA position 1598, A replaced by G.
Protein change: p.Glu533Gly; replaces glutamic acid 533 with glycine.
Molecular consequence: missense variant.
Genome position (GRCh38, 1-based): chr5:80,741,493, A>G. VCF-style: chr5-80741493-A-G. GRCh37 (hg19) VCF-style: chr5-80037312-A-G.
Other names: c.1598A>G (NM_002439.3); short protein forms E533G.
Identifiers: ClinVar variation 1052114 (VCV001052114.10), dbSNP rs1743612831, ClinGen allele CA360274479.
Genomic context (GRCh38, chr5:80,741,493, plus strand): 5'-TCTAGGCTAATTATATTTGATTCTTTTACAGGAATTTTAAACAGCTATCAAGTAAAATGG[A>G]ATTTATGACAATTAATGGAACAACATTAAGGAATCTGGAAATCCTACAGAATCAGGTCAG-3'
Protein context (NP_002430.3, residues 523-543): ENFKQLSSKM[Glu533Gly]FMTINGTTLR